The following is an entry in ClinVar:

NM_006648.4(WNK2):c.6020C>T (p.Ala2007Val)

Gene: WNK2 (WNK lysine deficient protein kinase 2; plus strand). Cytogenetic location: 9q22.31.
Variant type: single nucleotide variant.
Coding change: c.6020C>T on transcript NM_006648.4 (MANE Select); coding-DNA position 6020, C replaced by T.
Protein change: p.Ala2007Val; replaces alanine 2007 with valine.
Molecular consequence: missense variant.
Genome position (GRCh38, 1-based): chr9:93,299,166, C>T. VCF-style: chr9-93299166-C-T. GRCh37 (hg19) VCF-style: chr9-96061448-C-T.
Other names: c.6131C>T, p.Ala2044Val (NM_001282394.3); short protein forms A2007V, A2044V.
Identifiers: ClinVar variation 3981751 (VCV003981751.1).

ClinVar aggregate classification (germline): Uncertain significance (1 of 4 stars; one submission).

gnomAD v4.1: 1 of 1,610,708 alleles (0.000062%); highest among the groups gnomAD compares: Non-Finnish European, 0.000085%; no homozygotes.

Submission:

Ambry Genetics
Classification: Uncertain significance. Last evaluated: 2025-03-29. Review status: criteria provided, single submitter. Criteria: Ambry Variant Classification Scheme 2023. Collection method: clinical testing. Allele origin: germline.
Comment: The p.A2007V variant (also known as c.6020C>T), located in coding exon 24 of the WNK2 gene, results from a C to T substitution at nucleotide position 6020. The alanine at codon 2007 is replaced by valine, an amino acid with similar properties. This amino acid position is conserved. In addition, this alteration is predicted to be tolerated by in silico analysis. Based on the available evidence, the clinical significance of this variant remains unclear.